The following is an entry in ClinVar:

ClinVar aggregate classification (germline): Uncertain significance (1 of 4 stars; one submission).

Submission:

Labcorp Genetics (formerly Invitae), Labcorp
Classification: Uncertain significance. Last evaluated: 2024-10-01. Review status: criteria provided, single submitter. Criteria: Invitae Variant Classification Sherloc (09022015). Collection method: clinical testing. Allele origin: germline.
Comment: This sequence change creates a premature translational stop signal (p.Leu80Profs*11) in the SRP72 gene. It is expected to result in an absent or disrupted protein product. However, the current clinical and genetic evidence is not sufficient to establish whether loss-of-function variants in SRP72 cause disease. This variant is present in population databases (no rsID available, gnomAD 0.002%). This variant has not been reported in the literature in individuals affected with SRP72-related conditions. In summary, the available evidence is currently insufficient to determine the role of this variant in disease. Therefore, it has been classified as a Variant of Uncertain Significance.

NM_006947.4(SRP72):c.239_242del (p.Leu80fs)

Gene: SRP72 (signal recognition particle 72; plus strand). Cytogenetic location: 4q12.
Variant type: Microsatellite.
Coding change: c.239_242del on transcript NM_006947.4 (MANE Select); coding-DNA positions 239 to 242, 4 bases deleted (TCTC; older notation c.239_242delTCTC).
Protein change: p.Leu80fs; shifts the reading frame from leucine 80.
Molecular consequence: frameshift variant. On other transcripts: non-coding transcript variant (1).
Genome position (GRCh38, 1-based): chr4:56,471,728-56,471,731, TCTC deleted; deleting any 4 consecutive bases within chr4:56,471,723-56,471,731 gives the same sequence; the c. name uses the placement nearest the transcript's 3' end. VCF-style (leftmost placement, unchanged base first): chr4-56471722-ACTCT-A. GRCh37 (hg19) VCF-style: chr4-57337888-ACTCT-A.
Other names: c.239_242del, p.Leu80fs (NM_001267722.2); short protein forms L80fs.
Identifiers: ClinVar variation 3698837 (VCV003698837.2).